The following is an entry in ClinVar:

ClinVar aggregate classification (germline): Uncertain significance (1 of 4 stars; one submission).

Allele frequency attached by ClinVar (database versions not stated): gnomAD exomes below 0.00001; TOPMed below 0.00001; ExAC 0.00001; gnomAD 0.00001 and 0.00002.

Submission:

Labcorp Genetics (formerly Invitae), Labcorp
Classification: Uncertain significance. Last evaluated: 2021-09-02. Review status: criteria provided, single submitter. Criteria: Invitae Variant Classification Sherloc (09022015). Collection method: clinical testing. Allele origin: germline.
Comment: In summary, the available evidence is currently insufficient to determine the role of this variant in disease. Therefore, it has been classified as a Variant of Uncertain Significance. Algorithms developed to predict the effect of missense changes on protein structure and function (SIFT, PolyPhen-2, Align-GVGD) all suggest that this variant is likely to be disruptive. This variant has not been reported in the literature in individuals affected with MPDZ-related conditions. This variant is present in population databases (rs775700835, ExAC 0.01%). This sequence change replaces serine with arginine at codon 568 of the MPDZ protein (p.Ser568Arg). The serine residue is highly conserved and there is a moderate physicochemical difference between serine and arginine.

NM_001378778.1(MPDZ):c.1704C>A (p.Ser568Arg)

Gene: MPDZ (multiple PDZ domain crumbs cell polarity complex component; minus strand). Cytogenetic location: 9p23.
Variant type: single nucleotide variant.
Coding change: c.1704C>A on transcript NM_001378778.1 (MANE Select); coding-DNA position 1704, C replaced by A.
Protein change: p.Ser568Arg; replaces serine 568 with arginine.
Molecular consequence: missense variant.
Genome position (GRCh38, 1-based): chr9:13,193,266, G>T on the plus strand (C>A on the coding strand, the complement: MPDZ is on the minus strand). VCF-style: chr9-13193266-G-T. GRCh37 (hg19) VCF-style: chr9-13193265-G-T.
Other names: c.1704C>A, p.Ser568Arg (NM_001261406.2, NM_001261407.2, NM_001330637.2 and 14 more transcripts); short protein forms S568R.
Identifiers: ClinVar variation 1379261 (VCV001379261.6), dbSNP rs775700835, ClinGen allele CA4987696.